The following is an entry in ClinVar:

ClinVar aggregate classification (germline): Likely pathogenic (1 of 4 stars; one submission).

Conditions:
Primary ciliary dyskinesia. Also called: Ciliary dyskinesia. Identifiers: Orphanet 244, MedGen C0008780, MONDO:0016575, HP:0012265.

gnomAD v4.1: 11 of 1,609,888 alleles (0.00068%); highest among the groups gnomAD compares: African/African-American, 0.0013%; no homozygotes.

Submission:

Labcorp Genetics (formerly Invitae), Labcorp
Classification: Likely pathogenic for Primary ciliary dyskinesia. Last evaluated: 2024-09-24. Review status: criteria provided, single submitter. Criteria: Invitae Variant Classification Sherloc (09022015). Collection method: clinical testing. Allele origin: germline.
Comment: This sequence change affects a donor splice site in intron 38 of the DNAH8 gene. It is expected to disrupt RNA splicing. Variants that disrupt the donor or acceptor splice site typically lead to a loss of protein function (PMID: 16199547), and loss-of-function variants in DNAH8 are known to be pathogenic (PMID: 24307375, 32619401, 32681648). This variant is not present in population databases (gnomAD no frequency). This variant has not been reported in the literature in individuals affected with DNAH8-related conditions. Algorithms developed to predict the effect of sequence changes on RNA splicing suggest that this variant may disrupt the consensus splice site. In summary, the currently available evidence indicates that the variant is pathogenic, but additional data are needed to prove that conclusively. Therefore, this variant has been classified as Likely Pathogenic.

Literature cited by the submitters: PubMed 16199547; PubMed 24307375; PubMed 32619401; PubMed 32681648.

NM_001206927.2(DNAH8):c.5363+1G>A

Gene: DNAH8 (dynein axonemal heavy chain 8; plus strand). Cytogenetic location: 6p21.2.
Variant type: single nucleotide variant.
Coding change: c.5363+1G>A on transcript NM_001206927.2 (MANE Select); the canonical splice donor site of the intron after coding-DNA position 5363, G replaced by A.
Molecular consequence: splice donor variant.
Genome position (GRCh38, 1-based): chr6:38,850,415, G>A. VCF-style: chr6-38850415-G-A. GRCh37 (hg19) VCF-style: chr6-38818191-G-A.
Other names: c.4712+1G>A (NM_001371.4).
Identifiers: ClinVar variation 3730385 (VCV003730385.2).
Genomic context (GRCh38, chr6:38,850,415, plus strand): 5'-GGGACAACTTTTACCTCATTTACATGAGCAGTTGGAAGTATGTCAGAAGTCACTCACAGG[G>A]TAAGAGTTTAATTTTTAAATCACATATCATTTTGTATGTGACAGTGTTTTATCCCAAACT-3'